The following is an entry in ClinVar:

ClinVar aggregate classification (germline): Benign. Review status: criteria provided, multiple submitters, no conflicts (2 of 4 stars). 2 submissions from 2 submitters: Benign (2). Last evaluated 2018-06-15.

Allele frequency attached by ClinVar (database versions not stated): 1000 Genomes Project 30x 0.33401; 1000 Genomes Project 0.33686; TOPMed 0.39380; gnomAD 0.39583 and 0.39618; gnomAD exomes 0.47057.
gnomAD v4.1: 650,764 of 1,409,730 alleles (46%); highest among the groups gnomAD compares: Admixed American, 57%; 154,745 homozygotes.

Submissions (2):

GeneDx
Classification: Benign. Last evaluated: 2018-06-15. Review status: criteria provided, single submitter. Criteria: GeneDx Variant Classification (06012015). Collection method: clinical testing. Allele origin: germline. Affected: yes.
Comment: This variant is considered likely benign or benign based on one or more of the following criteria: it is a conservative change, it occurs at a poorly conserved position in the protein, it is predicted to be benign by multiple in silico algorithms, and/or has population frequency not consistent with disease.

Breakthrough Genomics
Classification: Benign. Review status: criteria provided, single submitter. Criteria: ACMG Guidelines, 2015. Collection method: not provided. Allele origin: germline. Inheritance: Autosomal dominant inheritance. Affected: yes.

NM_001035.3(RYR2):c.3807+63A>C

Genes: RYR2 (ryanodine receptor 2; plus strand), LOC126806067 (BRD4-independent group 4 enhancer GRCh37_chr1:237753258-237754457; plus strand). Cytogenetic location: 1q43.
Variant type: single nucleotide variant.
Coding change: c.3807+63A>C on transcript NM_001035.3 (MANE Select); 63 bases into the intron after coding-DNA position 3807, A replaced by C.
Molecular consequence: intron variant.
Genome position (GRCh38, 1-based): chr1:237,590,064, A>C. VCF-style: chr1-237590064-A-C. GRCh37 (hg19) VCF-style: chr1-237753364-A-C.
Identifiers: ClinVar variation 672072 (VCV000672072.2), dbSNP rs2805409, ClinGen allele CA39802229.